The following is an entry in ClinVar:

NM_001040142.2(SCN2A):c.1272G>A (p.Val424=)

Gene: SCN2A (sodium voltage-gated channel alpha subunit 2; plus strand). Cytogenetic location: 2q24.3.
Variant type: single nucleotide variant.
Coding change: c.1272G>A on transcript NM_001040142.2 (MANE Select); coding-DNA position 1272, G replaced by A.
Protein change: p.Val424=; no amino-acid change (valine 424 retained).
Molecular consequence: synonymous variant.
Genome position (GRCh38, 1-based): chr2:165,313,997, G>A. VCF-style: chr2-165313997-G-A. GRCh37 (hg19) VCF-style: chr2-166170507-G-A.
Other names: c.1272G>A, p.Val424= (NM_001040143.2, NM_001371246.1, NM_001371247.1 and 1 more transcripts).
Identifiers: ClinVar variation 1703999 (VCV001703999.3), dbSNP rs760738816, ClinGen allele CA1939785.
Genomic context (GRCh38, chr2:165,313,997, plus strand): 5'-TTTTGTGCTGGTCATTTTCTTGGGCTCATTCTATCTAATAAATTTGATCTTGGCTGTGGT[G>A]GCCATGGCCTATGAGGAACAGAATCAGGCCACATTGGAAGAGGCTGAACAGAAGGAAGCT-3'
Protein context (NP_001035232.1, residues 414-434): FYLINLILAV[Val424=]AMAYEEQNQA

ClinVar aggregate classification (germline): Uncertain significance (1 of 4 stars; one submission).

Allele frequency attached by ClinVar (database versions not stated): ExAC 0.00001; gnomAD 0.00001.
gnomAD v4.1: 1 of 1,613,730 alleles (0.000062%); highest among the groups gnomAD compares: Non-Finnish European, 0.000085%; no homozygotes.

Submission:

GeneDx
Classification: Uncertain significance. Last evaluated: 2023-01-20. Review status: criteria provided, single submitter. Criteria: GeneDx Variant Classification Process June 2021. Collection method: clinical testing. Allele origin: germline. Affected: yes.
Comment: Has not been previously published as pathogenic or benign to our knowledge; In silico analysis suggests this variant may impact gene splicing. In the absence of RNA/functional studies, the actual effect of this sequence change is unknown.; Not observed at significant frequency in large population cohorts (gnomAD)